The following is an entry in ClinVar:

ClinVar aggregate classification (germline): Benign/Likely benign. Review status: criteria provided, multiple submitters, no conflicts (2 of 4 stars). 8 submissions from 8 submitters: Benign (2); Likely benign (6). Last evaluated 2025-09-22.

Conditions:
Tuberous sclerosis 1 (TSC1). Identifiers: Orphanet 805, MedGen C1854465, MONDO:0008612, OMIM 191100.
Lymphangiomyomatosis (LAM). Also called: Lymphangioleiomyomatosis; Lymphangioleiomyomatosis, somatic. Identifiers: Orphanet 538, MedGen C0751674, MONDO:0011705, OMIM 606690.
Isolated focal cortical dysplasia type II (FCORD2). Also called: Focal cortical dysplasia type II; CORTICAL DYSPLASIA OF TAYLOR. Identifiers: Orphanet 268994, MedGen C1846385, MONDO:0011818, OMIM 607341, HP:0032051.
Tuberous sclerosis syndrome (TSC). Also called: Tuberous Sclerosis Complex; Tuberous sclerosis. Identifiers: Orphanet 805, MedGen C0041341, MONDO:0001734.
Hereditary cancer-predisposing syndrome. Also called: Tumor predisposition; Hereditary Cancer Syndrome; Neoplastic Syndromes, Hereditary; Hereditary neoplastic syndrome. Identifiers: Orphanet 140162, MedGen C0027672, MeSH D009386, MONDO:0015356.

Allele frequency attached by ClinVar (database versions not stated): gnomAD exomes 0.00001 and 0.00002; TOPMed 0.00003; ESP Exome Variant Server 0.00008; ExAC 0.00001; gnomAD 0.00001.
gnomAD v4.1: 19 of 1,614,076 alleles (0.0012%); highest among the groups gnomAD compares: Middle Eastern, 0.016%; no homozygotes.

Submissions (8):

Labcorp Genetics (formerly Invitae), Labcorp
Classification: Likely benign for Tuberous sclerosis 1. Last evaluated: 2025-09-22. Review status: criteria provided, single submitter. Criteria: Invitae Variant Classification Sherloc (09022015). Collection method: clinical testing. Allele origin: germline.

Myriad Genetics, Inc.
Classification: Benign for Tuberous sclerosis 1. Last evaluated: 2025-04-10. Review status: criteria provided, single submitter. Criteria: Myriad Autosomal Dominant, Autosomal Recessive and X-Linked Classification Criteria (2023). Collection method: clinical testing. Allele origin: unknown.
Comment: This variant is considered benign. This variant is a silent/synonymous amino acid change and it is not expected to impact splicing.

Blueprint Genetics
Classification: Likely benign. Last evaluated: 2024-08-16. Review status: criteria provided, single submitter. Criteria: ACMG Guidelines, 2015. Collection method: clinical testing. Allele origin: germline.

Color Diagnostics, LLC DBA Color Health
Classification: Likely benign for Tuberous sclerosis syndrome. Last evaluated: 2022-11-06. Review status: criteria provided, single submitter. Criteria: ACMG Guidelines, 2015. Collection method: clinical testing. Allele origin: germline.

Genome-Nilou Lab
Classification: Benign for Tuberous sclerosis 1. Last evaluated: 2021-11-07. Review status: criteria provided, single submitter. Criteria: ACMG Guidelines, 2015. Collection method: clinical testing. Allele origin: germline. Affected: no.

Fulgent Genetics
Classification: Likely benign for Tuberous sclerosis 1; Lymphangiomyomatosis; Isolated focal cortical dysplasia type II. Last evaluated: 2021-09-30. Review status: criteria provided, single submitter. Criteria: ACMG Guidelines, 2015. Collection method: clinical testing. Allele origin: unknown.

GeneDx
Classification: Likely benign. Last evaluated: 2018-06-08. Review status: criteria provided, single submitter. Criteria: GeneDx Variant Classification Process June 2021. Collection method: clinical testing. Allele origin: germline. Affected: yes.

Ambry Genetics
Classification: Likely benign for Hereditary cancer-predisposing syndrome. Last evaluated: 2016-01-26. Review status: criteria provided, single submitter. Criteria: Ambry Variant Classification Scheme 2023. Collection method: clinical testing. Allele origin: germline.

NM_000368.5(TSC1):c.1776G>A (p.Thr592=)

Gene: TSC1 (TSC complex subunit 1; minus strand). Cytogenetic location: 9q34.13.
Variant type: single nucleotide variant.
Coding change: c.1776G>A on transcript NM_000368.5 (MANE Select); coding-DNA position 1776, G replaced by A.
Protein change: p.Thr592=; no amino-acid change (threonine 592 retained).
Molecular consequence: synonymous variant.
Genome position (GRCh38, 1-based): chr9:132,905,802, C>T on the plus strand (G>A on the coding strand, the complement: TSC1 is on the minus strand). VCF-style: chr9-132905802-C-T. GRCh37 (hg19) VCF-style: chr9-135781189-C-T.
Other names: c.1773G>A, p.Thr591= (NM_001162426.2); c.1623G>A, p.Thr541= (NM_001162427.2); c.1413G>A, p.Thr471= (NM_001362177.2).
Identifiers: ClinVar variation 486573 (VCV000486573.22), dbSNP rs118203580, ClinGen allele CA029763.